The following is an entry in ClinVar:

ClinVar aggregate classification (germline): Uncertain significance. Review status: criteria provided, multiple submitters, no conflicts (2 of 4 stars). 4 submissions from 4 submitters: Uncertain significance (3). 1 of the submissions does not count toward it. Last evaluated 2023-04-11.

Conditions:
Inborn genetic diseases. Identifiers: MedGen C0950123, MeSH D030342.
Hereditary insensitivity to pain with anhidrosis (CIPA). Also called: hereditary sensory and autonomic neuropathy type 4; FAMILIAL DYSAUTONOMIA, TYPE II; INSENSITIVITY TO PAIN, CONGENITAL, WITH ANHIDROSIS; NEUROPATHY, CONGENITAL SENSORY, WITH ANHIDROSIS; HSAN Type IV; NTRK1 Congenital Insensitivity to Pain with Anhidrosis. Identifiers: Orphanet 642, MedGen C0020074, MONDO:0009746, OMIM 256800.

Allele frequency attached by ClinVar (database versions not stated): TOPMed below 0.00001; gnomAD exomes 0.00001; ExAC 0.00002.
gnomAD v4.1: 14 of 1,613,790 alleles (0.00087%); highest among the groups gnomAD compares: Non-Finnish European, 0.0012%; no homozygotes.

Submissions (4):

Genome-Nilou Lab
Classification: Uncertain significance for Hereditary insensitivity to pain with anhidrosis. Last evaluated: 2023-04-11. Review status: criteria provided, single submitter. Criteria: ACMG Guidelines, 2015. Collection method: clinical testing. Allele origin: germline. Affected: no.

Labcorp Genetics (formerly Invitae), Labcorp
Classification: Uncertain significance for Hereditary insensitivity to pain with anhidrosis. Last evaluated: 2022-03-09. Review status: criteria provided, single submitter. Criteria: Invitae Variant Classification Sherloc (09022015). Collection method: clinical testing. Allele origin: germline.
Comment: This sequence change replaces leucine, which is neutral and non-polar, with arginine, which is basic and polar, at codon 167 of the NTRK1 protein (p.Leu167Arg). This variant is present in population databases (rs749711737, gnomAD 0.002%). This variant has not been reported in the literature in individuals affected with NTRK1-related conditions. ClinVar contains an entry for this variant (Variation ID: 837934). Advanced modeling of protein sequence and biophysical properties (such as structural, functional, and spatial information, amino acid conservation, physicochemical variation, residue mobility, and thermodynamic stability) performed at Invitae indicates that this missense variant is not expected to disrupt NTRK1 protein function. In summary, the available evidence is currently insufficient to determine the role of this variant in disease. Therefore, it has been classified as a Variant of Uncertain Significance.

Ambry Genetics
Classification: Uncertain significance for Inborn genetic diseases. Last evaluated: 2022-03-08. Review status: criteria provided, single submitter. Criteria: Ambry Variant Classification Scheme 2023. Collection method: clinical testing. Allele origin: germline.
Comment: The p.L167R variant (also known as c.500T>G), located in coding exon 5 of the NTRK1 gene, results from a T to G substitution at nucleotide position 500. The leucine at codon 167 is replaced by arginine, an amino acid with dissimilar properties. This amino acid position is conserved. In addition, this alteration is predicted to be tolerated by in silico analysis. Since supporting evidence is limited at this time, the clinical significance of this alteration remains unclear.

Natera, Inc.
Classification: Uncertain significance for Hereditary insensitivity to pain with anhidrosis. Last evaluated: 2020-09-16. Review status: no assertion criteria provided. Collection method: clinical testing. Allele origin: germline. Not counted in ClinVar's aggregate classification.

NM_002529.4(NTRK1):c.500T>G (p.Leu167Arg)

Gene: NTRK1 (neurotrophic receptor tyrosine kinase 1; plus strand). Cytogenetic location: 1q23.1.
Variant type: single nucleotide variant.
Coding change: c.500T>G on transcript NM_002529.4 (MANE Select); coding-DNA position 500, T replaced by G.
Protein change: p.Leu167Arg; replaces leucine 167 with arginine.
Molecular consequence: missense variant.
Genome position (GRCh38, 1-based): chr1:156,868,175, T>G. VCF-style: chr1-156868175-T-G. GRCh37 (hg19) VCF-style: chr1-156837967-T-G.
Other names: c.410T>G, p.Leu137Arg (NM_001007792.1); c.500T>G, p.Leu167Arg (NM_001012331.2); short protein forms L137R, L167R.
Identifiers: ClinVar variation 837934 (VCV000837934.10), dbSNP rs749711737, ClinGen allele CA1168999.